The following is an entry in ClinVar:

ClinVar aggregate classification (germline): Uncertain significance (1 of 4 stars; one submission).

Conditions:
Inborn genetic diseases. Identifiers: MedGen C0950123, MeSH D030342.

Submission:

Ambry Genetics
Classification: Uncertain significance for Inborn genetic diseases. Last evaluated: 2021-03-26. Review status: criteria provided, single submitter. Criteria: Ambry Variant Classification Scheme 2023. Collection method: clinical testing. Allele origin: germline.
Comment: The c.1924A>G (p.S642G) alteration is located in exon 9 (coding exon 9) of the PEX6 gene. This alteration results from a A to G substitution at nucleotide position 1924, causing the serine (S) at amino acid position 642 to be replaced by a glycine (G). The p.S642G alteration is predicted to be tolerated by in silico analysis. Based on insufficient or conflicting evidence, the clinical significance of this alteration remains unclear.

NM_000287.4(PEX6):c.1924A>G (p.Ser642Gly)

Gene: PEX6 (peroxisomal biogenesis factor 6; minus strand). Cytogenetic location: 6p21.1.
Variant type: single nucleotide variant.
Coding change: c.1924A>G on transcript NM_000287.4 (MANE Select); coding-DNA position 1924, A replaced by G.
Protein change: p.Ser642Gly; replaces serine 642 with glycine.
Molecular consequence: missense variant. On other transcripts: non-coding transcript variant (1).
Genome position (GRCh38, 1-based): chr6:42,966,819, T>C on the plus strand (A>G on the coding strand, the complement: PEX6 is on the minus strand). VCF-style: chr6-42966819-T-C. GRCh37 (hg19) VCF-style: chr6-42934557-T-C.
Other names: c.1660A>G, p.Ser554Gly (NM_001316313.2); short protein forms S554G, S642G.
Identifiers: ClinVar variation 2229671 (VCV002229671.2), dbSNP rs2481211932, ClinGen allele CA364153165.